The following is an entry in ClinVar:

NM_001375524.1(TRRAP):c.8300T>C (p.Met2767Thr)

Gene: TRRAP (transformation/transcription domain associated protein; plus strand). Cytogenetic location: 7q22.1.
Variant type: single nucleotide variant.
Coding change: c.8300T>C on transcript NM_001375524.1 (MANE Select); coding-DNA position 8300, T replaced by C.
Protein change: p.Met2767Thr; replaces methionine 2767 with threonine.
Molecular consequence: missense variant.
Genome position (GRCh38, 1-based): chr7:98,976,991, T>C. VCF-style: chr7-98976991-T-C. GRCh37 (hg19) VCF-style: chr7-98574614-T-C.
Other names: c.8279T>C, p.Met2760Thr (NM_001244580.2); c.8225T>C, p.Met2742Thr (NM_003496.4); short protein forms M2742T, M2760T, M2767T.
Identifiers: ClinVar variation 1955178 (VCV001955178.27), dbSNP rs769247212, ClinGen allele CA4361402.

ClinVar aggregate classification (germline): Conflicting classifications of pathogenicity. Review status: criteria provided, conflicting classifications (1 of 4 stars). 2 submissions from 2 submitters: Uncertain significance (1); Likely benign (1). Last evaluated 2023-12-01.

gnomAD v4.1: 23 of 1,614,212 alleles (0.0014%); highest among the groups gnomAD compares: African/African-American, 0.0027%; no homozygotes.

Submissions (2):

CeGaT Center for Human Genetics Tuebingen
Classification: Likely benign. Last evaluated: 2023-12-01. Review status: criteria provided, single submitter. Criteria: CeGaT Center For Human Genetics Tuebingen Variant Classification Criteria Version 2. Collection method: clinical testing. Allele origin: germline. Affected: yes. Observed: 1 variant allele.
Comment: TRRAP: BS2

Labcorp Genetics (formerly Invitae), Labcorp
Classification: Uncertain significance. Last evaluated: 2022-07-06. Review status: criteria provided, single submitter. Criteria: Invitae Variant Classification Sherloc (09022015). Collection method: clinical testing. Allele origin: germline.
Comment: Algorithms developed to predict the effect of missense changes on protein structure and function are either unavailable or do not agree on the potential impact of this missense change (SIFT: "Deleterious"; PolyPhen-2: "Possibly Damaging"; Align-GVGD: "Class C0"). This sequence change replaces methionine, which is neutral and non-polar, with threonine, which is neutral and polar, at codon 2742 of the TRRAP protein (p.Met2742Thr). This variant is present in population databases (rs769247212, gnomAD 0.002%). This variant has not been reported in the literature in individuals affected with TRRAP-related conditions. In summary, the available evidence is currently insufficient to determine the role of this variant in disease. Therefore, it has been classified as a Variant of Uncertain Significance.